The following is an entry in ClinVar:

NM_025137.4(SPG11):c.2278T>C (p.Cys760Arg)

Gene: SPG11 (SPG11 vesicle trafficking associated, spatacsin; minus strand). Cytogenetic location: 15q21.1.
Variant type: single nucleotide variant.
Coding change: c.2278T>C on transcript NM_025137.4 (MANE Select); coding-DNA position 2278, T replaced by C.
Protein change: p.Cys760Arg; replaces cysteine 760 with arginine.
Molecular consequence: missense variant.
Genome position (GRCh38, 1-based): chr15:44,622,766, A>G on the plus strand (T>C on the coding strand, the complement: SPG11 is on the minus strand). VCF-style: chr15-44622766-A-G. GRCh37 (hg19) VCF-style: chr15-44914964-A-G.
Other names: c.2278T>C, p.Cys760Arg (NM_001160227.2, NM_001411132.1); short protein forms C760R.
Identifiers: ClinVar variation 2736197 (VCV002736197.3), dbSNP rs2505563283, ClinGen allele CA392232484.

ClinVar aggregate classification (germline): Likely pathogenic (1 of 4 stars; one submission).

Conditions:
Hereditary spastic paraplegia 11. Also called: Spastic Paraplegia 11; Spastic paraplegia, mental retardation and thin corpus callosum; SPASTIC PARAPLEGIA, AUTOSOMAL RECESSIVE, COMPLICATED, WITH THIN CORPUS CALLOSUM; SPASTIC PARAPLEGIA, AUTOSOMAL RECESSIVE, WITH MENTAL IMPAIRMENT AND THIN CORPUS CALLOSUM; Nakamura Osame syndrome; Autosomal recessive hereditary spastic paraplegia, mental impairment, and thin corpus callosum. Identifiers: Orphanet 2822, MedGen C1858479, MONDO:0011445, OMIM 604360.

Submission:

Labcorp Genetics (formerly Invitae), Labcorp
Classification: Likely pathogenic for Hereditary spastic paraplegia 11. Last evaluated: 2022-11-20. Review status: criteria provided, single submitter. Criteria: Invitae Variant Classification Sherloc (09022015). Collection method: clinical testing. Allele origin: germline.
Comment: In summary, the currently available evidence indicates that the variant is pathogenic, but additional data are needed to prove that conclusively. Therefore, this variant has been classified as Likely Pathogenic. Advanced modeling of protein sequence and biophysical properties (such as structural, functional, and spatial information, amino acid conservation, physicochemical variation, residue mobility, and thermodynamic stability) performed at Invitae indicates that this missense variant is expected to disrupt SPG11 protein function. This missense change has been observed in individual(s) with hereditary spastic paraplegia (PMID: 26374131, 33059505). In at least one individual the data is consistent with being in trans (on the opposite chromosome) from a pathogenic variant. This variant is not present in population databases (gnomAD no frequency). This sequence change replaces cysteine, which is neutral and slightly polar, with arginine, which is basic and polar, at codon 760 of the SPG11 protein (p.Cys760Arg).

Literature cited by the submitters: PubMed 26374131; PubMed 33059505.